The following is an entry in ClinVar:

NM_030805.4(LMAN2L):c.731G>A (p.Arg244His)

Gene: LMAN2L (lectin, mannose binding 2 like; minus strand). Cytogenetic location: 2q11.2.
Variant type: single nucleotide variant.
Coding change: c.731G>A on transcript NM_030805.4 (MANE Select); coding-DNA position 731, G replaced by A.
Protein change: p.Arg244His; replaces arginine 244 with histidine.
Molecular consequence: missense variant.
Genome position (GRCh38, 1-based): chr2:96,711,709, C>T on the plus strand (G>A on the coding strand, the complement: LMAN2L is on the minus strand). VCF-style: chr2-96711709-C-T. GRCh37 (hg19) VCF-style: chr2-97377446-C-T.
Other names: c.764G>A, p.Arg255His (NM_001142292.2); c.329G>A, p.Arg110His (NM_001322346.2, NM_001322354.2); c.350G>A, p.Arg117His (NM_001322347.2, NM_001322352.2); c.317G>A, p.Arg106His (NM_001322350.2); c.296G>A, p.Arg99His (NM_001322351.2, NM_001322355.2, NM_001322356.2); short protein forms R106H, R110H, R117H, R244H, R255H, R99H.
Identifiers: ClinVar variation 4689536 (VCV004689536.1).
Genomic context (GRCh38, chr2:96,711,709, plus strand): 5'-GCAGTACCTGAGAGATCCCCAGTGATGGAGGAGGTGCCGAAGTAGTAGCCGCGGGGCAGG[C>T]GGACTCCGGGCACTTCAATGCAGTCCCTCCACTCATGCTTGCCATCAATATCCATCATTA-3'
Protein context (NP_110432.1, residues 234-254): WRDCIEVPGV[Arg244His]LPRGYYFGTS

ClinVar aggregate classification (germline): Uncertain significance (1 of 4 stars; one submission).

gnomAD v4.1: 18 of 1,613,964 alleles (0.0011%); highest among the groups gnomAD compares: Middle Eastern, 0.017%; no homozygotes.

Submission:

Women's Health and Genetics/Laboratory Corporation of America, LabCorp
Classification: Uncertain significance. Last evaluated: 2026-01-08. Review status: criteria provided, single submitter. Criteria: LabCorp Variant Classification Summary - May 2015. Collection method: clinical testing. Allele origin: germline.
Comment: Variant summary: LMAN2L c.731G>A (p.Arg244His) results in a non-conservative amino acid change in the encoded protein sequence. Algorithms developed to predict the effect of missense changes on protein structure and function are either unavailable or do not agree on the potential impact of this missense change. The variant allele was found at a frequency of 3.6e-05 in 250894 control chromosomes. The available data on variant occurrences in the general population are insufficient to allow any conclusion about variant significance. To our knowledge, no occurrence of c.731G>A in individuals affected with LMAN2L-related conditions and no experimental evidence demonstrating its impact on protein function have been reported. No submitters have cited clinical-significance assessments for this variant to ClinVar. Based on the evidence outlined above, the variant was classified as uncertain significance.